The following is an entry in ClinVar:

ClinVar aggregate classification (germline): Uncertain significance (1 of 4 stars; one submission).

Conditions:
Inborn genetic diseases. Identifiers: MedGen C0950123, MeSH D030342.

Submission:

Ambry Genetics
Classification: Uncertain significance for Inborn genetic diseases. Last evaluated: 2025-11-24. Review status: criteria provided, single submitter. Criteria: Ambry Variant Classification Scheme 2023. Collection method: clinical testing. Allele origin: germline.
Comment: The p.P996T variant (also known as c.2986C>A), located in coding exon 29 of the RTEL1 gene, results from a C to A substitution at nucleotide position 2986. The proline at codon 996 is replaced by threonine, an amino acid with highly similar properties. This amino acid position is conserved. In addition, this alteration is predicted to be tolerated by in silico analysis. Based on the available evidence, the clinical significance of this variant remains unclear.

NM_001283009.2(RTEL1):c.2986C>A (p.Pro996Thr)

Genes: RTEL1 (regulator of telomere elongation helicase 1; plus strand), RTEL1-TNFRSF6B (RTEL1-TNFRSF6B readthrough (NMD candidate); plus strand). Cytogenetic location: 20q13.33.
Variant type: single nucleotide variant.
Coding change: c.2986C>A on transcript NM_001283009.2 (MANE Select); coding-DNA position 2986, C replaced by A.
Protein change: p.Pro996Thr; replaces proline 996 with threonine.
Molecular consequence: missense variant. On other transcripts: non-coding transcript variant (1).
Genome position (GRCh38, 1-based): chr20:63,693,277, C>A. VCF-style: chr20-63693277-C-A. GRCh37 (hg19) VCF-style: chr20-62324630-C-A.
Other names: c.2317C>A, p.Pro773Thr (NM_001283010.1); c.2986C>A, p.Pro996Thr (NM_016434.4); c.3058C>A, p.Pro1020Thr (NM_032957.5); short protein forms P1020T, P996T, P773T.
Identifiers: ClinVar variation 4629622 (VCV004629622.1).
Genomic context (GRCh38, chr20:63,693,277, plus strand): 5'-TGTGGCTATCGGCCTGAGCACAGCATTCCCCGAAGGCAGCGGGCACAGCCGGTCCTGGAC[C>A]CCACTGGTAAATGGGGCCCCAGGTGGGACCCTCAGACTCCTGCGTGGAAGGCAGTGTGGG-3'
Protein context (NP_001269938.1, residues 986-1006): RRQRAQPVLD[Pro996Thr]TGRTAPDPKL